The following is an entry in ClinVar:

NM_198428.3(BBS9):c.1059C>T (p.His353=)

Gene: BBS9 (Bardet-Biedl syndrome 9; plus strand). Cytogenetic location: 7p14.3.
Variant type: single nucleotide variant.
Coding change: c.1059C>T on transcript NM_198428.3 (MANE Select); coding-DNA position 1059, C replaced by T.
Protein change: p.His353=; no amino-acid change (histidine 353 retained).
Molecular consequence: synonymous variant. On other transcripts: non-coding transcript variant (3).
Genome position (GRCh38, 1-based): chr7:33,336,483, C>T. VCF-style: chr7-33336483-C-T. GRCh37 (hg19) VCF-style: chr7-33376095-C-T.
Other names: c.1059C>T, p.His353= (NM_001033604.2, NM_001033605.2, NM_001348036.1 and 5 more transcripts); c.693C>T, p.His231= (NM_001348037.3, NM_001348044.3, NM_001348045.3 and 1 more transcripts); c.786C>T, p.His262= (NM_001348038.3, NM_001348039.3); c.924C>T, p.His308= (NM_001348042.3); c.1059C>T (NM_198428.2).
Identifiers: ClinVar variation 1132207 (VCV001132207.10), dbSNP rs2128625827, ClinGen allele CA454452987.
Genomic context (GRCh38, chr7:33,336,483, plus strand): 5'-TTCTCTTCCTTATTGTAGTGATTTAAAGGGAGTGATAGTCACTCTGAGTGATGATGGTCA[C>T]TTGCAGTGTTCATACCTGGGGACAGATCCTTCTCTGTTCCAAGCTCCAAACGTTCAATCT-3'
Protein context (NP_940820.1, residues 343-363): GVIVTLSDDG[His353=]LQCSYLGTDP

ClinVar aggregate classification (germline): Likely benign. Review status: criteria provided, single submitter (1 of 4 stars). 2 submissions from 2 submitters: Likely benign (1). 1 of the submissions does not count toward it. Last evaluated 2026-01-04.

Conditions:
BBS9-related disorder. Also called: BBS9-related condition.
Bardet-Biedl syndrome (BBS). Identifiers: Orphanet 110, MedGen C0752166, MONDO:0015229.

Submissions (2):

Labcorp Genetics (formerly Invitae), Labcorp
Classification: Likely benign for Bardet-Biedl syndrome. Last evaluated: 2026-01-04. Review status: criteria provided, single submitter. Criteria: Invitae Variant Classification Sherloc (09022015). Collection method: clinical testing. Allele origin: germline.

PreventionGenetics, part of Exact Sciences
Classification: Likely benign for BBS9-related condition. Last evaluated: 2021-05-05. Review status: no assertion criteria provided. Collection method: clinical testing. Allele origin: germline. Not counted in ClinVar's aggregate classification.
Comment: This variant is classified as likely benign based on ACMG/AMP sequence variant interpretation guidelines (Richards et al. 2015 PMID: 25741868, with internal and published modifications).